The following is an entry in ClinVar:

NM_006206.6(PDGFRA):c.979G>C (p.Val327Leu)

Gene: PDGFRA (platelet derived growth factor receptor alpha; plus strand). Cytogenetic location: 4q12.
Variant type: single nucleotide variant.
Coding change: c.979G>C on transcript NM_006206.6 (MANE Select); coding-DNA position 979, G replaced by C.
Protein change: p.Val327Leu; replaces valine 327 with leucine.
Molecular consequence: missense variant.
Genome position (GRCh38, 1-based): chr4:54,267,599, G>C. VCF-style: chr4-54267599-G-C. GRCh37 (hg19) VCF-style: chr4-55133766-G-C.
Other names: c.979G>C, p.Val327Leu (NM_001347827.2, NM_001347829.2); c.1054G>C, p.Val352Leu (NM_001347828.2); c.1018G>C, p.Val340Leu (NM_001347830.2); c.979G>C (NM_006206.4); short protein forms V327L, V340L, V352L.
Identifiers: ClinVar variation 1014209 (VCV001014209.10), dbSNP rs748576202, ClinGen allele CA2922444.

ClinVar aggregate classification (germline): Uncertain significance. Review status: criteria provided, multiple submitters, no conflicts (2 of 4 stars). 2 submissions from 2 submitters: Uncertain significance (2). Last evaluated 2026-07-07.

Conditions:
Hereditary cancer-predisposing syndrome. Also called: Tumor predisposition; Hereditary Cancer Syndrome; Hereditary neoplastic syndrome; Neoplastic Syndromes, Hereditary. Identifiers: Orphanet 140162, MedGen C0027672, MeSH D009386, MONDO:0015356.
Gastrointestinal stromal tumor. Also called: Gastrointestinal stromal tumor, somatic; Gastrointestinal stroma tumor. Identifiers: Orphanet 44890, MedGen C0238198, MeSH D046152, MONDO:0011719, OMIM 606764, HP:0100723.

Allele frequency attached by ClinVar (database versions not stated): gnomAD exomes below 0.00001; ExAC 0.00001.
gnomAD v4.1: 1 of 1,614,196 alleles (0.000062%); highest among the groups gnomAD compares: Non-Finnish European, 0.000085%; no homozygotes.

Submissions (2):

Ambry Genetics
Classification: Uncertain significance for Hereditary cancer-predisposing syndrome. Last evaluated: 2026-07-07. Review status: criteria provided, single submitter. Criteria: Ambry Variant Classification Scheme 2023. Collection method: clinical testing. Allele origin: germline.
Comment: The p.V327L variant (also known as c.979G>C), located in coding exon 6 of the PDGFRA gene, results from a G to C substitution at nucleotide position 979. The valine at codon 327 is replaced by leucine, an amino acid with highly similar properties. This amino acid position is conserved. In addition, this alteration is predicted to be tolerated by in silico analysis. Based on the available evidence, the clinical significance of this variant remains unclear.

Labcorp Genetics (formerly Invitae), Labcorp
Classification: Uncertain significance for Gastrointestinal stromal tumor. Last evaluated: 2025-10-01. Review status: criteria provided, single submitter. Criteria: Invitae Variant Classification Sherloc (09022015). Collection method: clinical testing. Allele origin: germline.
Comment: This sequence change replaces valine, which is neutral and non-polar, with leucine, which is neutral and non-polar, at codon 327 of the PDGFRA protein (p.Val327Leu). This variant is present in population databases (rs748576202, gnomAD 0.0009%). This variant has not been reported in the literature in individuals affected with PDGFRA-related conditions. ClinVar contains an entry for this variant (Variation ID: 1014209). Invitae Evidence Modeling of protein sequence and biophysical properties (such as structural, functional, and spatial information, amino acid conservation, physicochemical variation, residue mobility, and thermodynamic stability) indicates that this missense variant is not expected to disrupt PDGFRA protein function with a negative predictive value of 80%. In summary, the available evidence is currently insufficient to determine the role of this variant in disease. Therefore, it has been classified as a Variant of Uncertain Significance.